The following is an entry in ClinVar:

ClinVar aggregate classification (germline): Uncertain significance (1 of 4 stars; one submission).

Submission:

Ambry Genetics
Classification: Uncertain significance. Last evaluated: 2025-08-29. Review status: criteria provided, single submitter. Criteria: Ambry Variant Classification Scheme 2023. Collection method: clinical testing. Allele origin: germline.
Comment: The p.E1011G variant (also known as c.3032A>G), located in coding exon 11 of the WNK2 gene, results from an A to G substitution at nucleotide position 3032. The glutamic acid at codon 1011 is replaced by glycine, an amino acid with similar properties. This amino acid position is conserved. In addition, this alteration is predicted to be tolerated by in silico analysis. Based on the available evidence, the clinical significance of this variant remains unclear.

NM_006648.4(WNK2):c.3032A>G (p.Glu1011Gly)

Gene: WNK2 (WNK lysine deficient protein kinase 2; plus strand). Cytogenetic location: 9q22.31.
Variant type: single nucleotide variant.
Coding change: c.3032A>G on transcript NM_006648.4 (MANE Select); coding-DNA position 3032, A replaced by G.
Protein change: p.Glu1011Gly; replaces glutamic acid 1011 with glycine.
Molecular consequence: missense variant.
Genome position (GRCh38, 1-based): chr9:93,259,580, A>G. VCF-style: chr9-93259580-A-G. GRCh37 (hg19) VCF-style: chr9-96021862-A-G.
Other names: c.3032A>G, p.Glu1011Gly (NM_001282394.3); short protein forms E1011G.
Identifiers: ClinVar variation 4201836 (VCV004201836.1).